The following is an entry in ClinVar:

ClinVar aggregate classification (germline): Uncertain significance. Review status: criteria provided, multiple submitters, no conflicts (2 of 4 stars). 3 submissions from 3 submitters: Uncertain significance (3). Last evaluated 2026-04-13.

Conditions:
TTN-related disorder. Also called: TTN-related disorders; TTN-related condition; TTN-related disease.
Cardiovascular phenotype. Identifiers: MedGen CN230736.

Allele frequency attached by ClinVar (database versions not stated): gnomAD 0.00003; TOPMed 0.00003; ESP Exome Variant Server 0.00008.
gnomAD v4.1: 35 of 1,613,988 alleles (0.0022%); highest among the groups gnomAD compares: Non-Finnish European, 0.003%; no homozygotes.

Submissions (3):

PreventionGenetics, part of Exact Sciences
Classification: Uncertain significance for TTN-related condition. Last evaluated: 2026-04-13. Review status: criteria provided, single submitter. Criteria: ACMG Guidelines, 2015. Collection method: clinical testing. Allele origin: germline.
Comment: The TTN c.2440C>T variant is predicted to result in the amino acid substitution p.Pro814Ser. To our knowledge, this variant has not been reported in the literature. This variant is reported in 0.0026% of alleles in individuals of European (Non-Finnish) descent in gnomAD. At this time, the clinical significance of this variant is uncertain due to the absence of conclusive functional and genetic evidence.

Revvity Omics, Revvity
Classification: Uncertain significance. Last evaluated: 2023-06-30. Review status: criteria provided, single submitter. Criteria: ACMG Guidelines, 2015. Collection method: clinical testing. Allele origin: germline.

Ambry Genetics
Classification: Uncertain significance for Cardiovascular phenotype. Last evaluated: 2018-05-29. Review status: criteria provided, single submitter. Criteria: Ambry Variant Classification Scheme 2023. Collection method: clinical testing. Allele origin: germline.
Comment: The p.P768S variant (also known as c.2302C>T), located in coding exon 13 of the TTN gene, results from a C to T substitution at nucleotide position 2302. The proline at codon 768 is replaced by serine, an amino acid with similar properties. This amino acid position is highly conserved in available vertebrate species. In addition, the in silico prediction for this alteration is inconclusive. Since supporting evidence is limited at this time, the clinical significance of this alteration remains unclear.

NM_001267550.2(TTN):c.2440C>T (p.Pro814Ser)

Gene: TTN (titin; minus strand). Cytogenetic location: 2q31.2.
Variant type: single nucleotide variant.
Coding change: c.2440C>T on transcript NM_001267550.2 (MANE Select); coding-DNA position 2440, C replaced by T.
Protein change: p.Pro814Ser; replaces proline 814 with serine.
Molecular consequence: missense variant.
Genome position (GRCh38, 1-based): chr2:178,785,673, G>A on the plus strand (C>T on the coding strand, the complement: TTN is on the minus strand). VCF-style: chr2-178785673-G-A. GRCh37 (hg19) VCF-style: chr2-179650400-G-A.
Other names: c.2440C>T, p.Pro814Ser (NM_001256850.1, NM_133378.4, NM_133379.5); c.2302C>T, p.Pro768Ser (NM_003319.4, NM_133432.3, NM_133437.4); short protein forms P768S, P814S.
Identifiers: ClinVar variation 1789308 (VCV001789308.6), dbSNP rs369885702, ClinGen allele CA60982722.